The following is an entry in ClinVar:

NM_000138.5(FBN1):c.6948T>A (p.Cys2316Ter)

Gene: FBN1 (fibrillin 1; minus strand). Cytogenetic location: 15q21.1.
Variant type: single nucleotide variant.
Coding change: c.6948T>A on transcript NM_000138.5 (MANE Select); coding-DNA position 6948, T replaced by A.
Protein change: p.Cys2316Ter; replaces cysteine 2316 with a stop codon.
Molecular consequence: nonsense.
Genome position (GRCh38, 1-based): chr15:48,428,395, A>T on the plus strand (T>A on the coding strand, the complement: FBN1 is on the minus strand). VCF-style: chr15-48428395-A-T. GRCh37 (hg19) VCF-style: chr15-48720592-A-T.
Other names: short protein forms C2316*.
Identifiers: ClinVar variation 406266 (VCV000406266.7), dbSNP rs1060501016, ClinGen allele CA16614404.

ClinVar aggregate classification (germline): Pathogenic (1 of 4 stars; one submission).

Conditions:
Marfan syndrome (MFS). Also called: Marfan syndrome, classic; Marfan syndrome type 1; Marfan's syndrome; MARFAN SYNDROME, TYPE I; FBN1-Related Marfan Syndrome. Identifiers: Orphanet 284963, Orphanet 558, MedGen C0024796, MONDO:0007947, OMIM 154700.
Familial thoracic aortic aneurysm and aortic dissection (TAAD). Also called: Thoracic aortic aneurysms and dissections. Identifiers: Orphanet 91387, MedGen C4707243, MONDO:0019625.

Submission:

Labcorp Genetics (formerly Invitae), Labcorp
Classification: Pathogenic for Marfan syndrome; Familial thoracic aortic aneurysm and aortic dissection. Last evaluated: 2016-11-28. Review status: criteria provided, single submitter. Criteria: Invitae Variant Classification Sherloc (09022015). Collection method: clinical testing. Allele origin: germline.
Comment: This sequence change creates a premature translational stop signal at codon 2316 (p.Cys2316*) of the FBN1 gene. It is expected to result in an absent or disrupted protein product. While this particular variant has not been reported in the literature, loss-of-function variants in FBN1 are known to be pathogenic (PMID: 17657824, 19293843). For these reasons, this variant has been classified as Pathogenic.

Literature cited by the submitters: PubMed 17657824; PubMed 19293843.